The following is an entry in ClinVar:

NM_130837.3(OPA1):c.2087C>A (p.Ala696Glu)

Gene: OPA1 (OPA1 mitochondrial dynamin like GTPase; plus strand). Cytogenetic location: 3q29.
Variant type: single nucleotide variant.
Coding change: c.2087C>A on transcript NM_130837.3 (MANE Select); coding-DNA position 2087, C replaced by A.
Protein change: p.Ala696Glu; replaces alanine 696 with glutamic acid.
Molecular consequence: missense variant.
Genome position (GRCh38, 1-based): chr3:193,654,936, C>A. VCF-style: chr3-193654936-C-A. GRCh37 (hg19) VCF-style: chr3-193372725-C-A.
Other names: c.1553C>A, p.Ala518Glu (NM_001354663.2); c.1550C>A, p.Ala517Glu (NM_001354664.2); c.1922C>A, p.Ala641Glu (NM_015560.3); c.1814C>A, p.Ala605Glu (NM_130831.3); c.1868C>A, p.Ala623Glu (NM_130832.3); c.1925C>A, p.Ala642Glu (NM_130833.3); c.1976C>A, p.Ala659Glu (NM_130834.3); c.1979C>A, p.Ala660Glu (NM_130835.3); and 1 more; short protein forms A517E, A518E, A605E, A659E, A623E, A660E, A696E, A641E.
Identifiers: ClinVar variation 1951999 (VCV001951999.5), dbSNP rs1315893899, ClinGen allele CA355791130.
Genomic context (GRCh38, chr3:193,654,936, plus strand): 5'-AACAATCTTTGTGGGAAAGAGTATCAACTCATGTGATTGAAAACATCTACCTTCCAGCTG[C>A]GCAGACCATGAATTCAGGAACTTTTAACACCACAGTGGATATCAAGCTTAAACAGTGGAC-3'
Protein context (NP_570850.2, residues 686-706): HVIENIYLPA[Ala696Glu]QTMNSGTFNT

ClinVar aggregate classification (germline): Uncertain significance (1 of 4 stars; one submission).

Submission:

Labcorp Genetics (formerly Invitae), Labcorp
Classification: Uncertain significance. Last evaluated: 2022-09-12. Review status: criteria provided, single submitter. Criteria: Invitae Variant Classification Sherloc (09022015). Collection method: clinical testing. Allele origin: germline.
Comment: This sequence change replaces alanine, which is neutral and non-polar, with glutamic acid, which is acidic and polar, at codon 641 of the OPA1 protein (p.Ala641Glu). This variant is not present in population databases (gnomAD no frequency). This variant has not been reported in the literature in individuals affected with OPA1-related conditions. Advanced modeling of protein sequence and biophysical properties (such as structural, functional, and spatial information, amino acid conservation, physicochemical variation, residue mobility, and thermodynamic stability) performed at Invitae indicates that this missense variant is not expected to disrupt OPA1 protein function. In summary, the available evidence is currently insufficient to determine the role of this variant in disease. Therefore, it has been classified as a Variant of Uncertain Significance.